The following is an entry in ClinVar:

ClinVar aggregate classification (germline): Likely benign (0 of 4 stars; one submission).

Conditions:
UNC13A-related disorder. Also called: UNC13A-related condition.

Submission:

PreventionGenetics, part of Exact Sciences
Classification: Likely benign for UNC13A-related condition. Last evaluated: 2022-11-17. Review status: no assertion criteria provided. Collection method: clinical testing. Allele origin: germline.
Comment: This variant is classified as likely benign based on ACMG/AMP sequence variant interpretation guidelines (Richards et al. 2015 PMID: 25741868, with internal and published modifications).

NM_001080421.3(UNC13A):c.1542G>A (p.Arg514=)

Gene: UNC13A (unc-13 homolog A; minus strand). Cytogenetic location: 19p13.11.
Variant type: single nucleotide variant.
Coding change: c.1542G>A on transcript NM_001080421.3 (MANE Select); coding-DNA position 1542, G replaced by A.
Protein change: p.Arg514=; no amino-acid change (arginine 514 retained).
Molecular consequence: synonymous variant.
Genome position (GRCh38, 1-based): chr19:17,648,966, C>T on the plus strand (G>A on the coding strand, the complement: UNC13A is on the minus strand). VCF-style: chr19-17648966-C-T. GRCh37 (hg19) VCF-style: chr19-17759775-C-T.
Other names: c.1536G>A, p.Arg512= (NM_001387021.1, NM_001387022.1, NM_001387023.1).
Identifiers: ClinVar variation 3035958 (VCV003035958.2), dbSNP rs999487458, ClinGen allele CA306104343.